The following is an entry in ClinVar:

NM_001164508.2(NEB):c.21242C>T (p.Ser7081Leu)

Gene: NEB (nebulin; minus strand). Cytogenetic location: 2q23.3.
Variant type: single nucleotide variant.
Coding change: c.21242C>T on transcript NM_001164508.2 (MANE Select); coding-DNA position 21242, C replaced by T.
Protein change: p.Ser7081Leu; replaces serine 7081 with leucine.
Molecular consequence: missense variant.
Genome position (GRCh38, 1-based): chr2:151,535,761, G>A on the plus strand (C>T on the coding strand, the complement: NEB is on the minus strand). VCF-style: chr2-151535761-G-A. GRCh37 (hg19) VCF-style: chr2-152392275-G-A.
Other names: c.21242C>T, p.Ser7081Leu (NM_001164507.2, NM_001271208.2); c.16139C>T, p.Ser5380Leu (NM_004543.5); short protein forms S5380L, S7081L.
Identifiers: ClinVar variation 4993240 (VCV004993240.1).
Genomic context (GRCh38, chr2:151,535,761, plus strand): 5'-AATTGAGTTGCATACTTGAAATGCCTATTGATCGGAGAGTCGGCAACATACTTGAAATCT[G>A]ACTTTGTCCTTTCAAATACTTCTTTATACTTATACTAGAAAAAACAGAACATGGTTACTT-3'
Protein context (NP_001157980.2, residues 7071-7091): KYKEVFERTK[Ser7081Leu]DFKYVADSPI

ClinVar aggregate classification (germline): Uncertain significance (1 of 4 stars; one submission).

Conditions:
NEB-related disorder. Also called: NEB-Related Disorders; NEB-related condition.

Submission:

PreventionGenetics, part of Exact Sciences
Classification: Uncertain significance for NEB-related condition. Last evaluated: 2026-04-25. Review status: criteria provided, single submitter. Criteria: ACMG Guidelines, 2015. Collection method: clinical testing. Allele origin: germline.
Comment: The NEB c.21242C>T variant is predicted to result in the amino acid substitution p.Ser7081Leu. To our knowledge, this variant has not been reported in the literature or in a large population database (gnomAD), indicating this variant is rare. At this time, the clinical significance of this variant is uncertain due to the absence of conclusive functional and genetic evidence.